The following is an entry in ClinVar:

NM_002485.5(NBN):c.703-14C>T

Gene: NBN (nibrin; minus strand). Cytogenetic location: 8q21.3.
Variant type: single nucleotide variant.
Coding change: c.703-14C>T on transcript NM_002485.5 (MANE Select); 14 bases into the intron before coding-DNA position 703, C replaced by T.
Molecular consequence: intron variant.
Genome position (GRCh38, 1-based): chr8:89,970,571, G>A on the plus strand (C>T on the coding strand, the complement: NBN is on the minus strand). VCF-style: chr8-89970571-G-A. GRCh37 (hg19) VCF-style: chr8-90982799-G-A.
Other names: c.457-14C>T (NM_001024688.3).
Identifiers: ClinVar variation 492130 (VCV000492130.18), dbSNP rs1411178267, ClinGen allele CA583843922.
Genomic context (GRCh38, chr8:89,970,571, plus strand): 5'-CTAGCTTCCCCACCTCCAAAGACAACTGCGGAACTCAATTTCTTATGCTAAAAATGGAAG[G>A]AAACATTTTTTAAAGTAAAATGTAGTAATTTTTTGAACACATAAGAATTTGATTTGGGAA-3'

ClinVar aggregate classification (germline): Likely benign. Review status: criteria provided, multiple submitters, no conflicts (2 of 4 stars). 3 submissions from 3 submitters: Likely benign (3). Last evaluated 2025-11-23.

Conditions:
Microcephaly, normal intelligence and immunodeficiency (NBS). Also called: BERLIN BREAKAGE SYNDROME; Ataxia telangiectasia variant V1; IMMUNODEFICIENCY, MICROCEPHALY, AND CHROMOSOMAL INSTABILITY; SEEMANOVA SYNDROME II; Immunodeficiency, microcephaly with normal intelligence; Nijmegen breakage syndrome. Identifiers: Orphanet 647, MedGen C0398791, MONDO:0009623, OMIM 251260.

Allele frequency attached by ClinVar (database versions not stated): gnomAD 0.00001; gnomAD exomes 0.00001; TOPMed 0.00001.
gnomAD v4.1: 15 of 1,609,886 alleles (0.00093%); highest among the groups gnomAD compares: Non-Finnish European, 0.0012%; no homozygotes.

Submissions (3):

Labcorp Genetics (formerly Invitae), Labcorp
Classification: Likely benign for Microcephaly, normal intelligence and immunodeficiency. Last evaluated: 2025-11-23. Review status: criteria provided, single submitter. Criteria: Invitae Variant Classification Sherloc (09022015). Collection method: clinical testing. Allele origin: germline.

PreventionGenetics, part of Exact Sciences
Classification: Likely benign. Last evaluated: 2017-09-27. Review status: criteria provided, single submitter. Criteria: ACMG Guidelines, 2015. Collection method: clinical testing. Allele origin: germline.

GeneDx
Classification: Likely benign. Last evaluated: 2017-08-10. Review status: criteria provided, single submitter. Criteria: GeneDx Variant Classification (06012015). Collection method: clinical testing. Allele origin: germline. Affected: yes.
Comment: This variant is considered likely benign or benign based on one or more of the following criteria: it is a conservative change, it occurs at a poorly conserved position in the protein, it is predicted to be benign by multiple in silico algorithms, and/or has population frequency not consistent with disease.